The following is an entry in ClinVar:

NM_001127222.2(CACNA1A):c.1000A>G (p.Thr334Ala)

Genes: CACNA1A (calcium voltage-gated channel subunit alpha1 A; minus strand), LOC126862866 (MED14-independent group 3 enhancer GRCh37_chr19:13445719-13446918; plus strand). Cytogenetic location: 19p13.13.
Variant type: single nucleotide variant.
Coding change: c.1000A>G on transcript NM_001127222.2 (MANE Select); coding-DNA position 1000, A replaced by G.
Protein change: p.Thr334Ala; replaces threonine 334 with alanine.
Molecular consequence: missense variant.
Genome position (GRCh38, 1-based): chr19:13,335,888, T>C on the plus strand (A>G on the coding strand, the complement: CACNA1A is on the minus strand). VCF-style: chr19-13335888-T-C. GRCh37 (hg19) VCF-style: chr19-13446702-T-C.
Other names: c.1000A>G, p.Thr334Ala (NM_000068.4, NM_001127221.2, NM_001174080.2 and 1 more transcripts); short protein forms T334A.
Identifiers: ClinVar variation 1733568 (VCV001733568.2), dbSNP rs748325708, ClinGen allele CA9240927.

ClinVar aggregate classification (germline): Uncertain significance (1 of 4 stars; one submission).

Conditions:
Inborn genetic diseases. Identifiers: MedGen C0950123, MeSH D030342.

Allele frequency attached by ClinVar (database versions not stated): gnomAD exomes below 0.00001; ExAC 0.00001.
gnomAD v4.1: 1 of 1,606,922 alleles (0.000062%); highest among the groups gnomAD compares: Admixed American, 0.0017%; no homozygotes.

Submission:

Ambry Genetics
Classification: Uncertain significance for Inborn genetic diseases. Last evaluated: 2017-06-30. Review status: criteria provided, single submitter. Criteria: Ambry Variant Classification Scheme 2023. Collection method: clinical testing. Allele origin: germline.
Comment: The p.T334A variant (also known as c.1000A>G), located in coding exon 7 of the CACNA1A gene, results from an A to G substitution at nucleotide position 1000. The threonine at codon 334 is replaced by alanine, an amino acid with similar properties. This amino acid position is not well conserved in available vertebrate species, and alanine is the reference amino acid in other vertebrate species. In addition, the in silico prediction for this alteration is inconclusive. Since supporting evidence is limited at this time, the clinical significance of this alteration remains unclear.